The following is an entry in ClinVar:

ClinVar aggregate classification (germline): Likely benign. Review status: criteria provided, multiple submitters, no conflicts (2 of 4 stars). 2 submissions from 2 submitters: Likely benign (2). Last evaluated 2019-07-11.

Conditions:
Inborn genetic diseases. Identifiers: MedGen C0950123, MeSH D030342.

Submissions (2):

Ambry Genetics
Classification: Likely benign for Inborn genetic diseases. Last evaluated: 2019-07-11. Review status: criteria provided, single submitter. Criteria: Ambry Variant Classification Scheme 2023. Collection method: clinical testing. Allele origin: germline.

GeneDx
Classification: Likely benign. Last evaluated: 2017-07-19. Review status: criteria provided, single submitter. Criteria: GeneDx Variant Classification (06012015). Collection method: clinical testing. Allele origin: germline. Affected: yes.
Comment: This variant is considered likely benign or benign based on one or more of the following criteria: it is a conservative change, it occurs at a poorly conserved position in the protein, it is predicted to be benign by multiple in silico algorithms, and/or has population frequency not consistent with disease.

NM_004863.4(SPTLC2):c.597T>C (p.Tyr199=)

Gene: SPTLC2 (serine palmitoyltransferase long chain base subunit 2; minus strand). Cytogenetic location: 14q24.3.
Variant type: single nucleotide variant.
Coding change: c.597T>C on transcript NM_004863.4 (MANE Select); coding-DNA position 597, T replaced by C.
Protein change: p.Tyr199=; no amino-acid change (tyrosine 199 retained).
Molecular consequence: synonymous variant.
Genome position (GRCh38, 1-based): chr14:77,576,801, A>G on the plus strand (T>C on the coding strand, the complement: SPTLC2 is on the minus strand). VCF-style: chr14-77576801-A-G. GRCh37 (hg19) VCF-style: chr14-78043144-A-G.
Identifiers: ClinVar variation 510670 (VCV000510670.3), dbSNP rs1555376518, ClinGen allele CA487329257.